The following is an entry in ClinVar:

ClinVar aggregate classification (germline): Conflicting classifications of pathogenicity. Review status: criteria provided, conflicting classifications (1 of 4 stars). 8 submissions from 8 submitters: Uncertain significance (6); Likely benign (2). Last evaluated 2026-05-21.

Conditions:
TTN-related disorder. Also called: TTN-related condition; TTN-related disease; TTN-related disorders.
Cardiomyopathy (CMYO). Also called: Cardiomyopathies. Identifiers: Orphanet 167848, MedGen C0878544, MONDO:0004994, HP:0001638. Inheritance: Various modes of inheritance.

Allele frequency attached by ClinVar (database versions not stated): gnomAD 0.00005; gnomAD exomes 0.00006 and 0.00008; ESP Exome Variant Server 0.00008; TOPMed 0.00003; ExAC 0.00005.
gnomAD v4.1: 125 of 1,613,644 alleles (0.0077%); highest among the groups gnomAD compares: Non-Finnish European, 0.0087%; no homozygotes.

Submissions (8):

PreventionGenetics, part of Exact Sciences
Classification: Uncertain significance for TTN-related condition. Last evaluated: 2026-05-21. Review status: criteria provided, single submitter. Criteria: ACMG Guidelines, 2015. Collection method: clinical testing. Allele origin: germline.
Comment: The TTN c.23477T>C variant is predicted to result in the amino acid substitution p.Val7826Ala. To our knowledge, this variant has not been reported in the literature. This variant is reported in 0.028% of alleles in individuals of European (Finnish) descent in gnomAD. At this time, the clinical significance of this variant is uncertain due to the absence of conclusive functional and genetic evidence.

Revvity Omics, Revvity
Classification: Uncertain significance. Last evaluated: 2025-06-18. Review status: criteria provided, single submitter. Criteria: ACMG Guidelines, 2015. Collection method: clinical testing. Allele origin: germline.

Women's Health and Genetics/Laboratory Corporation of America, LabCorp
Classification: Uncertain significance. Last evaluated: 2025-06-09. Review status: criteria provided, single submitter. Criteria: LabCorp Variant Classification Summary - May 2015. Collection method: clinical testing. Allele origin: germline.
Comment: Variant summary: TTN c.19745T>C (p.Val6582Ala) results in a non-conservative amino acid change located in the I-band region of the encoded protein sequence. Algorithms developed to predict the effect of missense changes on protein structure and function are either unavailable or do not agree on the potential impact of this missense change. The variant allele was found at a frequency of 7.8e-05 in 1606652 control chromosomes, predominantly at a frequency of 0.00028 within the Finnish subpopulation in the gnomAD database (v4.1 dataset). This frequency is somewhat lower than estimated for a pathogenic variant in TTN causing Dilated Cardiomyopathy (0.00039), allowing no conclusion about variant significance. The variant, c.19745T>C, has been observed in 1/145 unrelated Finnish patients affected with Dilated Cardiomyopathy, however no supporting evidence for causality was provided (Akinrinade_2015). This report does not provide unequivocal conclusions about association of the variant with Dilated Cardiomyopathy. To our knowledge, no experimental evidence demonstrating an impact on protein function has been reported. The following publication have been ascertained in the context of this evaluation (PMID: 26084686). ClinVar contains an entry for this variant (Variation ID: 501756). Based on the evidence outlined above, the variant was classified as uncertain significance.

Blueprint Genetics
Classification: Likely benign. Last evaluated: 2024-10-17. Review status: criteria provided, single submitter. Criteria: ACMG Guidelines, 2015. Collection method: clinical testing. Allele origin: germline.

CHEO Genetics Diagnostic Laboratory, Children's Hospital of Eastern Ontario
Classification: Likely benign for Cardiomyopathy. Last evaluated: 2023-04-19. Review status: criteria provided, single submitter. Criteria: ACMG Guidelines, 2015. Collection method: clinical testing. Allele origin: germline.

Mayo Clinic Laboratories, Mayo Clinic
Classification: Uncertain significance. Last evaluated: 2022-03-22. Review status: criteria provided, single submitter. Criteria: ACMG Guidelines, 2015. Collection method: clinical testing. Allele origin: germline. Observed: 1 variant allele.

Eurofins Ntd Llc (ga)
Classification: Uncertain significance. Last evaluated: 2017-05-11. Review status: criteria provided, single submitter. Criteria: EGL Classification Definitions 2015. Collection method: clinical testing. Allele origin: germline. Observed: 1 variant allele, 1 heterozygote.

Breakthrough Genomics
Classification: Uncertain significance. Review status: criteria provided, single submitter. Criteria: ACMG Guidelines, 2015. Collection method: not provided. Allele origin: germline. Inheritance: Autosomal recessive inheritance. Affected: yes.

Literature cited by the submitters: PubMed 26084686 (cited by Women's Health and Genetics/Laboratory Corporation of America, LabCorp).

NM_001267550.2(TTN):c.23477T>C (p.Val7826Ala)

Gene: TTN (titin; minus strand). Cytogenetic location: 2q31.2.
Variant type: single nucleotide variant.
Coding change: c.23477T>C on transcript NM_001267550.2 (MANE Select); coding-DNA position 23477, T replaced by C.
Protein change: p.Val7826Ala; replaces valine 7826 with alanine.
Molecular consequence: missense variant. On other transcripts: intron variant (3).
Genome position (GRCh38, 1-based): chr2:178,720,165, A>G on the plus strand (T>C on the coding strand, the complement: TTN is on the minus strand). VCF-style: chr2-178720165-A-G. GRCh37 (hg19) VCF-style: chr2-179584892-A-G.
Other names: p.Val7509Ala; c.22526T>C, p.Val7509Ala (NM_001256850.1); c.19745T>C, p.Val6582Ala (NM_133378.4); c.13282+17917T>C (NM_003319.4); c.13858+17917T>C (NM_133437.4); c.13657+17917T>C (NM_133432.3); short protein forms V6582A, V7826A, V7509A.
Identifiers: ClinVar variation 501756 (VCV000501756.13), dbSNP rs200663337, ClinGen allele CA2000620.
Genomic context (GRCh38, chr2:178,720,165, plus strand): 5'-AATGAAATCCTGGTATTTTCACTCTCTCTGATGACTTCACCTCTATCTTTCAGCCAGACA[A>G]CAGAAATTGGCTGGAAGCCCTCCACTATGGCCCGTAACTCAACAGCATCCCCAATAAGGG-3'
Protein context (NP_001254479.2, residues 7816-7836): AIVEGFQPIS[Val7826Ala]VWLKDRGEVI